The following is an entry in ClinVar:

NM_001302998.2(LIPI):c.1204T>G (p.Leu402Val)

Gene: LIPI (lipase I; minus strand). Cytogenetic location: 21q11.2.
Variant type: single nucleotide variant.
Coding change: c.1204T>G on transcript NM_001302998.2 (MANE Select); coding-DNA position 1204, T replaced by G.
Protein change: p.Leu402Val; replaces leucine 402 with valine.
Molecular consequence: missense variant. On other transcripts: intron variant (1).
Genome position (GRCh38, 1-based): chr21:14,144,714, A>C on the plus strand (T>G on the coding strand, the complement: LIPI is on the minus strand). VCF-style: chr21-14144714-A-C. GRCh37 (hg19) VCF-style: chr21-15517035-A-C.
Other names: c.1114T>G, p.Leu372Val (NM_001302999.2); c.1186T>G, p.Leu396Val (NM_001303000.2); c.1099T>G, p.Leu367Val (NM_001379565.1); c.709T>G, p.Leu237Val (NM_001379566.1); c.1069T>G, p.Leu357Val (NM_198996.4); c.1006+18705T>G (NM_001303001.2); short protein forms L402V, L396V, L237V, L372V, L357V, L367V.
Identifiers: ClinVar variation 3694214 (VCV003694214.2).

ClinVar aggregate classification (germline): Uncertain significance (1 of 4 stars; one submission).

gnomAD v4.1: 1 of 1,572,140 alleles (0.000064%); highest among the groups gnomAD compares: Admixed American, 0.0017%; no homozygotes.

Submission:

Labcorp Genetics (formerly Invitae), Labcorp
Classification: Uncertain significance. Last evaluated: 2024-11-21. Review status: criteria provided, single submitter. Criteria: Invitae Variant Classification Sherloc (09022015). Collection method: clinical testing. Allele origin: germline.
Comment: This sequence change replaces leucine, which is neutral and non-polar, with valine, which is neutral and non-polar, at codon 423 of the LIPI protein (p.Leu423Val). This variant is not present in population databases (gnomAD no frequency). This variant has not been reported in the literature in individuals affected with LIPI-related conditions. An algorithm developed to predict the effect of missense changes on protein structure and function (PolyPhen-2) suggests that this variant is likely to be disruptive. In summary, the available evidence is currently insufficient to determine the role of this variant in disease. Therefore, it has been classified as a Variant of Uncertain Significance.